The following is an entry in ClinVar:

ClinVar aggregate classification (germline): Uncertain significance (1 of 4 stars; one submission).

Conditions:
Inborn genetic diseases. Identifiers: MedGen C0950123, MeSH D030342.

Allele frequency attached by ClinVar (database versions not stated): ExAC 0.00001.
gnomAD v4.1: 3 of 1,563,074 alleles (0.00019%); highest among the groups gnomAD compares: Admixed American, 0.0018%; no homozygotes.

Submission:

Ambry Genetics
Classification: Uncertain significance for Inborn genetic diseases. Last evaluated: 2023-08-11. Review status: criteria provided, single submitter. Criteria: Ambry Variant Classification Scheme 2023. Collection method: clinical testing. Allele origin: germline.
Comment: The p.S486F variant (also known as c.1457C>T), located in coding exon 10 of the ACD gene, results from a C to T substitution at nucleotide position 1457. The serine at codon 486 is replaced by phenylalanine, an amino acid with highly dissimilar properties. This amino acid position is conserved. In addition, this alteration is predicted to be tolerated by in silico analysis. Since supporting evidence is limited at this time, the clinical significance of this alteration remains unclear.

NM_001082486.2(ACD):c.1199C>T (p.Ser400Phe)

Gene: ACD (ACD shelterin complex subunit and telomerase recruitment factor; minus strand). Cytogenetic location: 16q22.1.
Variant type: single nucleotide variant.
Coding change: c.1199C>T on transcript NM_001082486.2 (MANE Select); coding-DNA position 1199, C replaced by T.
Protein change: p.Ser400Phe; replaces serine 400 with phenylalanine.
Molecular consequence: missense variant.
Genome position (GRCh38, 1-based): chr16:67,657,993, G>A on the plus strand (C>T on the coding strand, the complement: ACD is on the minus strand). VCF-style: chr16-67657993-G-A. GRCh37 (hg19) VCF-style: chr16-67691896-G-A.
Other names: c.1112C>T, p.Ser371Phe (NM_001410884.1); c.1190C>T, p.Ser397Phe (NM_022914.3); short protein forms S397F, S371F, S400F.
Identifiers: ClinVar variation 2586829 (VCV002586829.2), dbSNP rs772771047, ClinGen allele CA8114420.